The following is an entry in ClinVar:

NM_000059.3(BRCA2):c.8979_8982inv (p.Ser2994Asp)

Gene: BRCA2 (BRCA2 DNA repair associated; plus strand). Cytogenetic location: 13q13.1.
Variant type: Inversion.
Coding change: c.8979_8982inv on transcript NM_000059.3.
Protein change: p.Ser2994Asp; replaces serine 2994 with aspartic acid.
Genome position: GRCh38 VCF-style: chr13-32379775-ATCA-TGAT. GRCh37 (hg19) VCF-style: chr13-32953912-ATCA-TGAT.
Other names: c.8979_8982inv, p.Ser2994Asp (LRG_293t1); c.8979_8982delinsTGAT (NM_000059.4).
Identifiers: ClinVar variation 231569 (VCV000231569.12), ClinGen allele CA10579806.

ClinVar aggregate classification (germline): Uncertain significance. Review status: criteria provided, multiple submitters, no conflicts (2 of 4 stars). 3 submissions from 3 submitters: Uncertain significance (3). Last evaluated 2026-02-24.

Conditions:
Hereditary cancer-predisposing syndrome. Also called: Tumor predisposition; Hereditary neoplastic syndrome; Hereditary Cancer Syndrome; Neoplastic Syndromes, Hereditary. Identifiers: Orphanet 140162, MedGen C0027672, MeSH D009386, MONDO:0015356.
Hereditary breast ovarian cancer syndrome. Also called: Hereditary breast and ovarian cancer; Breast and ovarian cancer; BRCA1- and BRCA2-Associated Hereditary Breast and Ovarian Cancer; Hereditary breast and/or ovarian cancer syndrome; Hereditary breast and ovarian cancer syndrome; Hereditary breast and ovarian cancer syndrome (HBOC). Identifiers: Orphanet 145, MedGen C0677776, MeSH D061325, MONDO:0003582. Disease mechanism: loss of function.

Submissions (3):

Ambry Genetics
Classification: Uncertain significance for Hereditary cancer-predisposing syndrome. Last evaluated: 2026-02-24. Review status: criteria provided, single submitter. Criteria: Ambry Variant Classification Scheme 2023. Collection method: clinical testing. Allele origin: germline.
Comment: The c.8979_8982delATCAinsTGAT variant (also known as p.S2994D), located in coding exon 22 of the BRCA2 gene, results from an in-frame deletion of ATCA and insertion of TGAT at nucleotide positions 8979 to 8982. This results in the substitution of the serine residue for an aspartic acid residue at codon 2994, an amino acid with similar properties. The nucleotide region involving the alteration is not well conserved in available vertebrate species. This amino acid position is not well conserved in available vertebrate species. In silico splice site analysis predicts that this alteration may result in the creation or strengthening of a novel splice acceptor site; however, direct evidence is insufficient at this time (Ambry internal data). Based on the available evidence, the clinical significance of this variant remains unclear.

Labcorp Genetics (formerly Invitae), Labcorp
Classification: Uncertain significance for Hereditary breast ovarian cancer syndrome. Last evaluated: 2025-05-01. Review status: criteria provided, single submitter. Criteria: Invitae Variant Classification Sherloc (09022015). Collection method: clinical testing. Allele origin: germline.
Comment: This sequence change replaces serine, which is neutral and polar, with aspartic acid, which is acidic and polar, at codon 2994 of the BRCA2 protein (p.Ser2994Asp). This variant is not present in population databases (gnomAD no frequency). This variant has not been reported in the literature in individuals affected with BRCA2-related conditions. Algorithms developed to predict the effect of sequence changes on RNA splicing suggest that this variant may disrupt the consensus splice site. In summary, the available evidence is currently insufficient to determine the role of this variant in disease. Therefore, it has been classified as a Variant of Uncertain Significance.

Color Diagnostics, LLC DBA Color Health
Classification: Uncertain significance for Hereditary cancer-predisposing syndrome. Last evaluated: 2022-03-29. Review status: criteria provided, single submitter. Criteria: ACMG Guidelines, 2015. Collection method: clinical testing. Allele origin: germline.
Comment: This variant is a 4-basepair substitution that results in a single amino acid change replacing serine with aspartic acid at codon 2994 of the BRCA2 protein. This 4-basepair substitution is also known as an inversion, chr13.GRCh37:g.32953912_32953915inv and c.8979_8982inv. To our knowledge, functional studies have not been reported for this variant. This variant has not been reported in individuals affected with hereditary cancer in the literature. This variant has not been identified in the general population by the Genome Aggregation Database (gnomAD). The available evidence is insufficient to determine the role of this variant in disease conclusively. Therefore, this variant is classified as a Variant of Uncertain Significance.